The following is an entry in ClinVar:

ClinVar aggregate classification (germline): Benign/Likely benign. Review status: criteria provided, multiple submitters, no conflicts (2 of 4 stars). 3 submissions from 3 submitters: Benign (1); Likely benign (2). Last evaluated 2025-08-25.

Conditions:
Juvenile polyposis syndrome (JPS). Identifiers: Orphanet 2929, MedGen C0345893, MONDO:0017380, OMIM 174900.
Hereditary cancer-predisposing syndrome. Also called: Hereditary neoplastic syndrome; Tumor predisposition; Neoplastic Syndromes, Hereditary; Hereditary Cancer Syndrome. Identifiers: Orphanet 140162, MedGen C0027672, MeSH D009386, MONDO:0015356.

Submissions (3):

Ambry Genetics
Classification: Likely benign for Hereditary cancer-predisposing syndrome. Last evaluated: 2025-08-25. Review status: criteria provided, single submitter. Criteria: Ambry Variant Classification Scheme 2023. Collection method: clinical testing. Allele origin: germline.

Myriad Genetics, Inc.
Classification: Benign for Juvenile polyposis syndrome. Last evaluated: 2024-08-06. Review status: criteria provided, single submitter. Criteria: Myriad Autosomal Dominant, Autosomal Recessive and X-Linked Classification Criteria (2023). Collection method: clinical testing. Allele origin: unknown.
Comment: This variant is considered benign. This variant is a silent/synonymous amino acid change and it is not expected to impact splicing.

Labcorp Genetics (formerly Invitae), Labcorp
Classification: Likely benign for Juvenile polyposis syndrome. Last evaluated: 2021-09-12. Review status: criteria provided, single submitter. Criteria: Invitae Variant Classification Sherloc (09022015). Collection method: clinical testing. Allele origin: germline.

NM_004329.3(BMPR1A):c.1089A>C (p.Leu363=)

Gene: BMPR1A (bone morphogenetic protein receptor type 1A; plus strand). Cytogenetic location: 10q23.2.
Variant type: single nucleotide variant.
Coding change: c.1089A>C on transcript NM_004329.3 (MANE Select); coding-DNA position 1089, A replaced by C.
Protein change: p.Leu363=; no amino-acid change (leucine 363 retained).
Molecular consequence: synonymous variant.
Genome position (GRCh38, 1-based): chr10:86,919,392, A>C. VCF-style: chr10-86919392-A-C. GRCh37 (hg19) VCF-style: chr10-88679149-A-C.
Other names: c.1089A>C (NM_004329.2).
Identifiers: ClinVar variation 1143774 (VCV001143774.11), dbSNP rs863224393, ClinGen allele CA470373285.